The following is an entry in ClinVar:

ClinVar aggregate classification (germline): Uncertain significance (1 of 4 stars; one submission).

Conditions:
Shprintzen-Goldberg syndrome (SGS). Also called: Marfanoid disorder with craniosynostosis type 1; Marfanoid craniosynostosis syndrome; Shprintzen-Goldberg marfanoid syndrome; SHPRINTZEN-GOLDBERG CRANIOSYNOSTOSIS SYNDROME; CRANIOSYNOSTOSIS WITH ARACHNODACTYLY AND ABDOMINAL HERNIAS. Identifiers: Orphanet 2462, MedGen C1321551, MONDO:0008426, OMIM 182212.

gnomAD v4.1: 2 of 1,551,564 alleles (0.00013%); highest among the groups gnomAD compares: Non-Finnish European, 0.000087%; no homozygotes.

Submission:

Labcorp Genetics (formerly Invitae), Labcorp
Classification: Uncertain significance for Shprintzen-Goldberg syndrome. Last evaluated: 2024-07-03. Review status: criteria provided, single submitter. Criteria: Invitae Variant Classification Sherloc (09022015). Collection method: clinical testing. Allele origin: germline.
Comment: This sequence change replaces glutamine, which is neutral and polar, with lysine, which is basic and polar, at codon 589 of the SKI protein (p.Gln589Lys). This variant is not present in population databases (gnomAD no frequency). This variant has not been reported in the literature in individuals affected with SKI-related conditions. An algorithm developed to predict the effect of missense changes on protein structure and function (PolyPhen-2) suggests that this variant is likely to be tolerated. In summary, the available evidence is currently insufficient to determine the role of this variant in disease. Therefore, it has been classified as a Variant of Uncertain Significance.

NM_003036.4(SKI):c.1765C>A (p.Gln589Lys)

Gene: SKI (SKI proto-oncogene; plus strand). Cytogenetic location: 1p36.32.
Variant type: single nucleotide variant.
Coding change: c.1765C>A on transcript NM_003036.4 (MANE Select); coding-DNA position 1765, C replaced by A.
Protein change: p.Gln589Lys; replaces glutamine 589 with lysine.
Molecular consequence: missense variant.
Genome position (GRCh38, 1-based): chr1:2,304,583, C>A. VCF-style: chr1-2304583-C-A. GRCh37 (hg19) VCF-style: chr1-2236022-C-A.
Other names: short protein forms Q589K.
Identifiers: ClinVar variation 3610295 (VCV003610295.2).
Genomic context (GRCh38, chr1:2,304,583, plus strand): 5'-ATGCGCGTGAAGCAGGAGGAGAAGCTCAGCGCAGCCCTGCAGGCCAAGCGCAGCCTCCAC[C>A]AGGTGAGCGGGGCGAGTGGTGCTGGGAGGTCCAGGGCACGGGCAGTGAGCACAGCCTGCA-3'
Protein context (NP_003027.1, residues 579-599): AALQAKRSLH[Gln589Lys]ELEFLRVAKK